The following is an entry in ClinVar:

ClinVar aggregate classification (germline): Uncertain significance (1 of 4 stars; one submission).

Conditions:
Bethlem myopathy 1A. Also called: Bethlem Muscular Dystrophy; MYOPATHY, BENIGN CONGENITAL, WITH CONTRACTURES; Bethlem myopathy 1. Identifiers: Orphanet 610, MedGen CN029274, MONDO:0024530, OMIM 158810.

Allele frequency attached by ClinVar (database versions not stated): gnomAD exomes 0.00001; ExAC 0.00002; gnomAD 0.00003.
gnomAD v4.1: 14 of 1,606,456 alleles (0.00087%); highest among the groups gnomAD compares: East Asian, 0.0022%; no homozygotes.

Submission:

Labcorp Genetics (formerly Invitae), Labcorp
Classification: Uncertain significance for Bethlem myopathy 1A. Last evaluated: 2021-12-09. Review status: criteria provided, single submitter. Criteria: Invitae Variant Classification Sherloc (09022015). Collection method: clinical testing. Allele origin: germline.
Comment: This sequence change replaces isoleucine, which is neutral and non-polar, with leucine, which is neutral and non-polar, at codon 925 of the COL6A2 protein (p.Ile925Leu). This variant is present in population databases (rs772894756, gnomAD 0.007%). This variant has not been reported in the literature in individuals affected with COL6A2-related conditions. ClinVar contains an entry for this variant (Variation ID: 476475). Advanced modeling of protein sequence and biophysical properties (such as structural, functional, and spatial information, amino acid conservation, physicochemical variation, residue mobility, and thermodynamic stability) performed at Invitae indicates that this missense variant is not expected to disrupt COL6A2 protein function. In summary, the available evidence is currently insufficient to determine the role of this variant in disease. Therefore, it has been classified as a Variant of Uncertain Significance.

NM_001849.4(COL6A2):c.2773A>C (p.Ile925Leu)

Gene: COL6A2 (collagen type VI alpha 2 chain; plus strand). Cytogenetic location: 21q22.3.
Variant type: single nucleotide variant.
Coding change: c.2773A>C on transcript NM_001849.4 (MANE Select); coding-DNA position 2773, A replaced by C.
Protein change: p.Ile925Leu; replaces isoleucine 925 with leucine.
Molecular consequence: missense variant.
Genome position (GRCh38, 1-based): chr21:46,132,265, A>C. VCF-style: chr21-46132265-A-C. GRCh37 (hg19) VCF-style: chr21-47552179-A-C.
Other names: short protein forms I925L.
Identifiers: ClinVar variation 476475 (VCV000476475.8), dbSNP rs772894756, ClinGen allele CA10073017.